The following is an entry in ClinVar:

ClinVar aggregate classification (germline): Uncertain significance (1 of 4 stars; one submission).

Submission:

Ambry Genetics
Classification: Uncertain significance. Last evaluated: 2021-11-06. Review status: criteria provided, single submitter. Criteria: Ambry Variant Classification Scheme 2023. Collection method: clinical testing. Allele origin: germline.
Comment: The p.K3302E variant (also known as c.9904A>G), located in coding exon 70 of the PRKDC gene, results from an A to G substitution at nucleotide position 9904. The lysine at codon 3302 is replaced by glutamic acid, an amino acid with similar properties. This amino acid position is conserved. In addition, this alteration is predicted to be tolerated by in silico analysis. Since supporting evidence is limited at this time, the clinical significance of this alteration remains unclear.

NM_006904.7(PRKDC):c.9904A>G (p.Lys3302Glu)

Gene: PRKDC (protein kinase, DNA-activated, catalytic subunit; minus strand). Cytogenetic location: 8q11.21.
Variant type: single nucleotide variant.
Coding change: c.9904A>G on transcript NM_006904.7 (MANE Select); coding-DNA position 9904, A replaced by G.
Protein change: p.Lys3302Glu; replaces lysine 3302 with glutamic acid.
Molecular consequence: missense variant.
Genome position (GRCh38, 1-based): chr8:47,803,324, T>C on the plus strand (A>G on the coding strand, the complement: PRKDC is on the minus strand). VCF-style: chr8-47803324-T-C. GRCh37 (hg19) VCF-style: chr8-48715885-T-C.
Other names: c.9904A>G, p.Lys3302Glu (NM_001081640.2); short protein forms K3302E.
Identifiers: ClinVar variation 1768559 (VCV001768559.2), dbSNP rs2551863321, ClinGen allele CA371136515.
Genomic context (GRCh38, chr8:47,803,324, plus strand): 5'-ACAGCCCTTTAAGATATAAGTGGATAAAAGCGGTCAACTTACCCAACAAAGAGACTGTTT[T>C]CAGCACAGTGAGCACCTGCTCAGAGCAGCCCTGGGACCGGCTCCGGCAGTGGCTCAGGCG-3'
Protein context (NP_008835.5, residues 3292-3312): GCSEQVLTVL[Lys3302Glu]TVSLLDENNV